The following is an entry in ClinVar:

ClinVar aggregate classification (germline): Uncertain significance (1 of 4 stars; one submission).

Conditions:
Orofacial cleft. Also called: Orofacial clefting; Oral cleft. Identifiers: MedGen C3266076, MONDO:0000358, HP:0000202.

Submission:

Mendelics
Classification: Uncertain significance for Orofacial cleft. Last evaluated: 2026-03-05. Review status: criteria provided, single submitter. Criteria: ACMG Guidelines, 2015. Collection method: clinical testing. Allele origin: unknown.
Comment: The available evidence is insufficient to conclusively determine the role of this variant. Therefore, it is classified as a Variant of Uncertain Significance.

NM_022768.5(RBM15):c.2883del (p.Val962fs)

Gene: RBM15 (RNA binding motif protein 15; plus strand). Cytogenetic location: 1p13.3.
Variant type: Deletion.
Coding change: c.2883del on transcript NM_022768.5 (MANE Select); coding-DNA position 2883, one base deleted (A; older notation c.2883delA).
Protein change: p.Val962fs; shifts the reading frame from valine 962.
Molecular consequence: frameshift variant. On other transcripts: intron variant (1).
Genome position (GRCh38, 1-based): chr1:110,345,558, A deleted. VCF-style (leftmost placement, unchanged base first): chr1-110345557-GA-G. GRCh37 (hg19) VCF-style: chr1-110888179-GA-G.
Other names: c.2864-750del (NM_001201545.2); short protein forms V962fs.
Identifiers: ClinVar variation 4813550 (VCV004813550.1).